The following is an entry in ClinVar:

NM_001184900.3(CARD8):c.982G>A (p.Glu328Lys)

Gene: CARD8 (caspase recruitment domain family member 8; minus strand). Cytogenetic location: 19q13.33.
Variant type: single nucleotide variant.
Coding change: c.982G>A on transcript NM_001184900.3 (MANE Select); coding-DNA position 982, G replaced by A.
Protein change: p.Glu328Lys; replaces glutamic acid 328 with lysine.
Molecular consequence: missense variant. On other transcripts: non-coding transcript variant (4).
Genome position (GRCh38, 1-based): chr19:48,230,491, C>T on the plus strand (G>A on the coding strand, the complement: CARD8 is on the minus strand). VCF-style: chr19-48230491-C-T. GRCh37 (hg19) VCF-style: chr19-48733748-C-T.
Other names: c.832G>A, p.Glu278Lys (NM_001184901.1, NM_001351783.2, NM_001351788.2 and 2 more transcripts); c.982G>A, p.Glu328Lys (NM_001184902.2, NM_001184903.1, NM_001351782.2); c.667G>A, p.Glu223Lys (NM_001351784.2, NM_001351787.2, NM_001351791.2 and 1 more transcripts); c.646G>A, p.Glu216Lys (NM_001351786.2); c.739G>A, p.Glu247Lys (NM_001351790.2); c.664G>A, p.Glu222Lys (NM_001365950.1); short protein forms E216K, E223K, E247K, E278K, E222K, E328K.
Identifiers: ClinVar variation 1992059 (VCV001992059.4), dbSNP rs758242862, ClinGen allele CA9547854.

ClinVar aggregate classification (germline): Uncertain significance (1 of 4 stars; one submission).

Allele frequency attached by ClinVar (database versions not stated): ExAC 0.00002.
gnomAD v4.1: 11 of 1,613,742 alleles (0.00068%); highest among the groups gnomAD compares: Admixed American, 0.0017%; no homozygotes.

Submission:

Labcorp Genetics (formerly Invitae), Labcorp
Classification: Uncertain significance. Last evaluated: 2022-05-30. Review status: criteria provided, single submitter. Criteria: Invitae Variant Classification Sherloc (09022015). Collection method: clinical testing. Allele origin: germline.
Comment: This sequence change replaces glutamic acid, which is acidic and polar, with lysine, which is basic and polar, at codon 278 of the CARD8 protein (p.Glu278Lys). This variant is present in population databases (rs758242862, gnomAD 0.007%). This variant has not been reported in the literature in individuals affected with CARD8-related conditions. Algorithms developed to predict the effect of missense changes on protein structure and function output the following: SIFT: "Tolerated"; PolyPhen-2: "Benign"; Align-GVGD: "Class C0". The lysine amino acid residue is found in multiple mammalian species, which suggests that this missense change does not adversely affect protein function. In summary, the available evidence is currently insufficient to determine the role of this variant in disease. Therefore, it has been classified as a Variant of Uncertain Significance.